The following is an entry in ClinVar:

ClinVar aggregate classification (germline): Conflicting classifications of pathogenicity. Review status: criteria provided, conflicting classifications (1 of 4 stars). 6 submissions from 5 submitters: Uncertain significance (1); Benign (1); Likely benign (4). Last evaluated 2026-01-25.

Conditions:
Short-rib thoracic dysplasia 7 with or without polydactyly (SRTD7). Also called: Short rib polydactyly syndrome 5; SHORT-RIB THORACIC DYSPLASIA 7 WITH POLYDACTYLY. Identifiers: Orphanet 498497, Orphanet 93271, MedGen C3279792, MONDO:0013569, OMIM 614091.
Cranioectodermal dysplasia 2 (CED2). Identifiers: Orphanet 1515, MedGen C3150874, MONDO:0013323, OMIM 613610.
Connective tissue disorder. Also called: Connective tissue disease. Identifiers: MedGen C0009782, MONDO:0003900.

Allele frequency attached by ClinVar (database versions not stated): gnomAD exomes 0.00063 and 0.00122; ExAC 0.00124; 1000 Genomes Project 0.00300; 1000 Genomes Project 30x 0.00312; gnomAD 0.00011 and 0.00039; ESP Exome Variant Server 0.00015; TOPMed 0.00021.
gnomAD v4.1: 980 of 1,613,246 alleles (0.061%); highest among the groups gnomAD compares: South Asian, 0.84%; 11 homozygotes.

Submissions (6):

Labcorp Genetics (formerly Invitae), Labcorp
Classification: Benign for Cranioectodermal dysplasia 2; Short-rib thoracic dysplasia 7 with or without polydactyly. Last evaluated: 2026-01-25. Review status: criteria provided, single submitter. Criteria: Invitae Variant Classification Sherloc (09022015). Collection method: clinical testing. Allele origin: germline.

Blueprint Genetics
Classification: Likely benign. Last evaluated: 2024-10-30. Review status: criteria provided, single submitter. Criteria: ACMG Guidelines, 2015. Collection method: clinical testing. Allele origin: germline.

Genome Diagnostics Laboratory, The Hospital for Sick Children
Classification: Likely benign for Connective tissue disorder. Last evaluated: 2019-04-01. Review status: criteria provided, single submitter. Criteria: ACMG Guidelines, 2015. Collection method: clinical testing. Allele origin: germline.

Illumina Laboratory Services, Illumina
Classification: Likely benign for Short-rib thoracic dysplasia 7 with or without polydactyly. Last evaluated: 2018-01-13. Review status: criteria provided, single submitter. Criteria: ICSL Variant Classification Criteria 13 December 2019. Collection method: clinical testing. Allele origin: germline.
Comment: This variant was observed in the ICSL laboratory as part of a predisposition screen in an ostensibly healthy population. It had not been previously curated by ICSL or reported in the Human Gene Mutation Database (HGMD: prior to June 1st, 2018), and was therefore a candidate for classification through an automated scoring system. Utilizing variant allele frequency, disease prevalence and penetrance estimates, and inheritance mode, an automated score was calculated to assess if this variant is too frequent to cause the disease. Based on the score and internal cut-off values, a variant classified as likely benign is not then subjected to further curation. The score for this variant resulted in a classification of likely benign for this disease.

Illumina Laboratory Services, Illumina
Classification: Likely benign for Cranioectodermal dysplasia 2. Last evaluated: 2018-01-13. Review status: criteria provided, single submitter. Criteria: ICSL Variant Classification Criteria 13 December 2019. Collection method: clinical testing. Allele origin: germline.
Comment: the same text as in the submission from Illumina Laboratory Services, Illumina above.

Eurofins Ntd Llc (ga)
Classification: Uncertain significance. Last evaluated: 2014-02-18. Review status: criteria provided, single submitter. Criteria: EGL Classification Definitions 2015. Collection method: clinical testing. Allele origin: germline. Observed: 1 variant allele, 1 heterozygote.

NM_001006657.2(WDR35):c.1215A>G (p.Thr405=)

Gene: WDR35 (WD repeat domain 35; minus strand). Cytogenetic location: 2p24.1.
Variant type: single nucleotide variant.
Coding change: c.1215A>G on transcript NM_001006657.2 (MANE Plus Clinical); coding-DNA position 1215, A replaced by G.
Protein change: p.Thr405=; no amino-acid change (threonine 405 retained).
Molecular consequence: synonymous variant. On other transcripts: intron variant (1).
Genome position (GRCh38, 1-based): chr2:19,962,307, T>C on the plus strand (A>G on the coding strand, the complement: WDR35 is on the minus strand). VCF-style: chr2-19962307-T-C. GRCh37 (hg19) VCF-style: chr2-20162068-T-C.
Other names: c.1195-1693A>G (NM_020779.4).
Identifiers: ClinVar variation 167847 (VCV000167847.23), dbSNP rs144673252, ClinGen allele CA235267.